The following is an entry in ClinVar:

ClinVar aggregate classification (germline): Uncertain significance (1 of 4 stars; one submission).

Allele frequency attached by ClinVar (database versions not stated): TOPMed below 0.00001; gnomAD exomes 0.00001.
gnomAD v4.1: 12 of 1,613,226 alleles (0.00074%); highest among the groups gnomAD compares: Non-Finnish European, 0.001%; no homozygotes.

Submission:

GeneDx
Classification: Uncertain significance. Last evaluated: 2021-01-06. Review status: criteria provided, single submitter. Criteria: GeneDx Variant Classification Process June 2021. Collection method: clinical testing. Allele origin: germline. Affected: yes.
Comment: Not observed at a significant frequency in large population cohorts (Lek et al., 2016); In silico analysis supports that this missense variant has a deleterious effect on protein structure/function; In silico analysis, which includes splice predictors and evolutionary conservation, suggests this variant may impact gene splicing. In the absence of RNA/functional studies, the actual effect of this sequence change is unknown.; Has not been previously published as pathogenic or benign to our knowledge

NM_001330588.2(TPP2):c.2120A>G (p.Tyr707Cys)

Gene: TPP2 (tripeptidyl peptidase 2; plus strand). Cytogenetic location: 13q33.1.
Variant type: single nucleotide variant.
Coding change: c.2120A>G on transcript NM_001330588.2 (MANE Select); coding-DNA position 2120, A replaced by G.
Protein change: p.Tyr707Cys; replaces tyrosine 707 with cysteine.
Molecular consequence: missense variant. On other transcripts: non-coding transcript variant (1).
Genome position (GRCh38, 1-based): chr13:102,643,321, A>G. VCF-style: chr13-102643321-A-G. GRCh37 (hg19) VCF-style: chr13-103295671-A-G.
Other names: c.2120A>G, p.Tyr707Cys (NM_001367947.1, NM_003291.4); short protein forms Y707C.
Identifiers: ClinVar variation 1316170 (VCV001316170.2), dbSNP rs1173902697, ClinGen allele CA388494590.